The following is an entry in ClinVar:

NM_178138.6(LHX3):c.77G>A (p.Arg26Gln)

Gene: LHX3 (LIM homeobox 3; minus strand). Cytogenetic location: 9q34.3.
Variant type: single nucleotide variant.
Coding change: c.77G>A on transcript NM_178138.6 (MANE Select); coding-DNA position 77, G replaced by A.
Protein change: p.Arg26Gln; replaces arginine 26 with glutamine.
Molecular consequence: missense variant.
Genome position (GRCh38, 1-based): chr9:136,204,936, C>T on the plus strand (G>A on the coding strand, the complement: LHX3 is on the minus strand). VCF-style: chr9-136204936-C-T. GRCh37 (hg19) VCF-style: chr9-139096782-C-T.
Other names: short protein forms R26Q.
Identifiers: ClinVar variation 4984318 (VCV004984318.1).
Genomic context (GRCh38, chr9:136,204,936, plus strand): 5'-TTCCTCGCGCCTCTGCCGCCCTTGCCGTTTCTGTCCTCAGTGTCCTGCTGGGGCTTACCC[C>T]GAGTCCCGCCCAAGGTGCAGACGGCGGCGGCCCCGGGCCTCGCTCGGTCGCGCTCGAGCC-3'
Protein context (NP_835258.1, residues 16-36): AAAVCTLGGT[Arg26Gln]EIPLCAGCDQ

ClinVar aggregate classification (germline): Uncertain significance (1 of 4 stars; one submission).

Conditions:
LHX3-related disorder. Also called: LHX3-related condition.

Submission:

PreventionGenetics, part of Exact Sciences
Classification: Uncertain significance for LHX3-related condition. Last evaluated: 2026-07-01. Review status: criteria provided, single submitter. Criteria: ACMG Guidelines, 2015. Collection method: clinical testing. Allele origin: germline.
Comment: The LHX3 c.77G>A variant is predicted to result in the amino acid substitution p.Arg26Gln. Using the alternative transcript NM_178138, the variant is designated as LHX3 c.77G>A (p.Arg26Gln). To our knowledge, this variant has not been reported in the literature. This variant is reported in 0.012% of alleles in individuals of African descent in gnomAD. At this time, the clinical significance of this variant is uncertain due to the absence of conclusive functional and genetic evidence.